The following is an entry in ClinVar:

ClinVar aggregate classification (germline): Likely pathogenic (1 of 4 stars; one submission).

Conditions:
Ehlers-Danlos syndrome, classic type, 1 (EDSCL1). Also called: EHLERS-DANLOS SYNDROME, GRAVIS TYPE; EHLERS-DANLOS SYNDROME, SEVERE CLASSIC TYPE; Ehlers-Danlos syndrome, type 1; Ehlers-Danlos Syndrome, Classic Type, COL5A1-Related; EDS I. Identifiers: MedGen C0268335, MONDO:0019567, OMIM 130000.

Submission:

Labcorp Genetics (formerly Invitae), Labcorp
Classification: Likely pathogenic for Ehlers-Danlos syndrome, classic type, 1. Last evaluated: 2023-07-16. Review status: criteria provided, single submitter. Criteria: Invitae Variant Classification Sherloc (09022015). Collection method: clinical testing. Allele origin: germline.
Comment: This sequence change affects an acceptor splice site in intron 40 of the COL5A1 gene. It is expected to disrupt RNA splicing. Variants that disrupt the donor or acceptor splice site typically lead to a loss of protein function (PMID: 16199547), and loss-of-function variants in COL5A1 are known to be pathogenic (PMID: 23587214). This variant is not present in population databases (gnomAD no frequency). Disruption of this splice site has been observed in individual(s) with Ehlers-Danlos syndrome (PMID: 21541907). Algorithms developed to predict the effect of sequence changes on RNA splicing suggest that this variant may disrupt the consensus splice site. In summary, the currently available evidence indicates that the variant is pathogenic, but additional data are needed to prove that conclusively. Therefore, this variant has been classified as Likely Pathogenic.

Literature cited by the submitters: PubMed 16199547; PubMed 23587214; PubMed 21541907.

NM_000093.5(COL5A1):c.3205-1G>C

Gene: COL5A1 (collagen type V alpha 1 chain; plus strand). Cytogenetic location: 9q34.3.
Variant type: single nucleotide variant.
Coding change: c.3205-1G>C on transcript NM_000093.5 (MANE Select); the canonical splice acceptor site of the intron before coding-DNA position 3205, G replaced by C.
Molecular consequence: splice acceptor variant.
Genome position (GRCh38, 1-based): chr9:134,805,160, G>C. VCF-style: chr9-134805160-G-C. GRCh37 (hg19) VCF-style: chr9-137697006-G-C.
Other names: c.3205-1G>C (NM_001278074.1).
Identifiers: ClinVar variation 2735370 (VCV002735370.3), dbSNP rs2490796747, ClinGen allele CA375450759.